The following is an entry in ClinVar:

NM_001122764.3(PPOX):c.741G>A (p.Arg247=)

Gene: PPOX (protoporphyrinogen oxidase; plus strand). Cytogenetic location: 1q23.3.
Variant type: single nucleotide variant.
Coding change: c.741G>A on transcript NM_001122764.3 (MANE Select); coding-DNA position 741, G replaced by A.
Protein change: p.Arg247=; no amino-acid change (arginine 247 retained).
Molecular consequence: synonymous variant.
Genome position (GRCh38, 1-based): chr1:161,169,117, G>A. VCF-style: chr1-161169117-G-A. GRCh37 (hg19) VCF-style: chr1-161138907-G-A.
Other names: p.Arg247=; c.741G>A, p.Arg247= (NM_000309.5, NM_001365398.1, NM_001365399.1); c.642G>A, p.Arg214= (NM_001350128.2); c.333G>A, p.Arg111= (NM_001350129.2, NM_001365400.1); c.255G>A, p.Arg85= (NM_001350130.2, NM_001350131.2, NM_001365401.1).
Identifiers: ClinVar variation 4683736 (VCV004683736.1).

ClinVar aggregate classification (germline): Likely benign (1 of 4 stars; one submission).

gnomAD v4.1: 98 of 1,614,102 alleles (0.0061%); highest among the groups gnomAD compares: Non-Finnish European, 0.0079%; no homozygotes.

Submission:

Mayo Clinic Laboratories, Mayo Clinic
Classification: Likely benign. Last evaluated: 2024-09-05. Review status: criteria provided, single submitter. Criteria: ACMG Guidelines, 2015. Collection method: clinical testing. Allele origin: germline. Observed: 2 variant alleles.
Comment: BS1